The following is an entry in ClinVar:

ClinVar aggregate classification (germline): Pathogenic/Likely pathogenic. Review status: criteria provided, multiple submitters, no conflicts (2 of 4 stars). 2 submissions from 2 submitters: Pathogenic (1); Likely pathogenic (1). Last evaluated 2024-03-13.

Conditions:
Osteogenesis imperfecta type 15. Also called: OI, TYPE XV; WNT1-related osteogenesis imperfecta; Osteogenesis imperfecta, type xv. Identifiers: Orphanet 666, MedGen C3808844, MONDO:0014086, OMIM 615220.
OSTEOPOROSIS, EARLY-ONSET, SUSCEPTIBILITY TO (BMND16). Also called: Bone mineral density quantitative trait locus 16. Identifiers: Orphanet 85193, MedGen C3714945, OMIM 615221.

Submissions (2):

Fulgent Genetics
Classification: Likely pathogenic for Osteogenesis imperfecta type 15; OSTEOPOROSIS, EARLY-ONSET, SUSCEPTIBILITY TO. Last evaluated: 2024-03-13. Review status: criteria provided, single submitter. Criteria: ACMG Guidelines, 2015. Collection method: clinical testing. Allele origin: germline.

Labcorp Genetics (formerly Invitae), Labcorp
Classification: Pathogenic. Last evaluated: 2022-07-12. Review status: criteria provided, single submitter. Criteria: Invitae Variant Classification Sherloc (09022015). Collection method: clinical testing. Allele origin: germline.
Comment: For these reasons, this variant has been classified as Pathogenic. ClinVar contains an entry for this variant (Variation ID: 1372966). This premature translational stop signal has been observed in individual(s) with osteogenesis imperfecta (PMID: 29935254, 30715774). This variant is not present in population databases (gnomAD no frequency). This sequence change creates a premature translational stop signal (p.Cys227*) in the WNT1 gene. While this is not anticipated to result in nonsense mediated decay, it is expected to disrupt the last 144 amino acid(s) of the WNT1 protein.

Literature cited by the submitters: PubMed 29935254 (cited by Labcorp Genetics (formerly Invitae), Labcorp); PubMed 30715774 (cited by Labcorp Genetics (formerly Invitae), Labcorp).

NM_005430.4(WNT1):c.681C>A (p.Cys227Ter)

Gene: WNT1 (Wnt family member 1; plus strand). Cytogenetic location: 12q13.12.
Variant type: single nucleotide variant.
Coding change: c.681C>A on transcript NM_005430.4 (MANE Select); coding-DNA position 681, C replaced by A.
Protein change: p.Cys227Ter; replaces cysteine 227 with a stop codon.
Molecular consequence: nonsense.
Genome position (GRCh38, 1-based): chr12:48,981,208, C>A. VCF-style: chr12-48981208-C-A. GRCh37 (hg19) VCF-style: chr12-49374991-C-A.
Other names: short protein forms C227*.
Identifiers: ClinVar variation 1372966 (VCV001372966.9), dbSNP rs2137625115, ClinGen allele CA384633889.